The following is an entry in ClinVar:

NM_006642.5(SDCCAG8):c.1370T>A (p.Met457Lys)

Gene: SDCCAG8 (SHH signaling and ciliogenesis regulator SDCCAG8; plus strand). Cytogenetic location: 1q43.
Variant type: single nucleotide variant.
Coding change: c.1370T>A on transcript NM_006642.5 (MANE Select); coding-DNA position 1370, T replaced by A.
Protein change: p.Met457Lys; replaces methionine 457 with lysine.
Molecular consequence: missense variant.
Genome position (GRCh38, 1-based): chr1:243,344,228, T>A. VCF-style: chr1-243344228-T-A. GRCh37 (hg19) VCF-style: chr1-243507530-T-A.
Other names: c.467T>A, p.Met156Lys (NM_001350246.2, NM_001350247.2, NM_001350251.2); c.1466T>A, p.Met489Lys (NM_001350248.2); c.1076T>A, p.Met359Lys (NM_001350249.2); short protein forms M156K, M359K, M457K, M489K.
Identifiers: ClinVar variation 1355736 (VCV001355736.8), dbSNP rs1250974056, ClinGen allele CA345475823.

ClinVar aggregate classification (germline): Uncertain significance (1 of 4 stars; one submission).

Conditions:
Senior-Loken syndrome 7 (SLSN7). Identifiers: Orphanet 3156, MedGen C3150877, MONDO:0013326, OMIM 613615.
Bardet-Biedl syndrome 16 (BBS16). Identifiers: Orphanet 110, MedGen C3889474, MONDO:0014444, OMIM 615993.

Allele frequency attached by ClinVar (database versions not stated): gnomAD exomes below 0.00001; TOPMed below 0.00001.
gnomAD v4.1: 1 of 1,613,814 alleles (0.000062%); highest among the groups gnomAD compares: Non-Finnish European, 0.000085%; no homozygotes.

Submission:

Labcorp Genetics (formerly Invitae), Labcorp
Classification: Uncertain significance for Bardet-Biedl syndrome 16; Senior-Loken syndrome 7. Last evaluated: 2022-11-15. Review status: criteria provided, single submitter. Criteria: Invitae Variant Classification Sherloc (09022015). Collection method: clinical testing. Allele origin: germline.
Comment: This variant is present in population databases (no rsID available, gnomAD 0.0009%). In summary, the available evidence is currently insufficient to determine the role of this variant in disease. Therefore, it has been classified as a Variant of Uncertain Significance. Algorithms developed to predict the effect of missense changes on protein structure and function (SIFT, PolyPhen-2, Align-GVGD) all suggest that this variant is likely to be disruptive. ClinVar contains an entry for this variant (Variation ID: 1355736). This variant has not been reported in the literature in individuals affected with SDCCAG8-related conditions. This sequence change replaces methionine, which is neutral and non-polar, with lysine, which is basic and polar, at codon 457 of the SDCCAG8 protein (p.Met457Lys).